The following is an entry in ClinVar:

NM_006618.5(KDM5B):c.4353A>G (p.Leu1451=)

Gene: KDM5B (lysine demethylase 5B; minus strand). Cytogenetic location: 1q32.1.
Variant type: single nucleotide variant.
Coding change: c.4353A>G on transcript NM_006618.5 (MANE Select); coding-DNA position 4353, A replaced by G.
Protein change: p.Leu1451=; no amino-acid change (leucine 1451 retained).
Molecular consequence: synonymous variant.
Genome position (GRCh38, 1-based): chr1:202,729,851, T>C on the plus strand (A>G on the coding strand, the complement: KDM5B is on the minus strand). VCF-style: chr1-202729851-T-C. GRCh37 (hg19) VCF-style: chr1-202698979-T-C.
Other names: c.4461A>G, p.Leu1487= (NM_001314042.2); c.4218A>G, p.Leu1406= (NM_001347591.2); c.4338A>G, p.Leu1446= (NM_001399817.1).
Identifiers: ClinVar variation 716277 (VCV000716277.7), dbSNP rs61750267, ClinGen allele CA1333975.

ClinVar aggregate classification (germline): Benign. Review status: criteria provided, single submitter (1 of 4 stars). 2 submissions from 2 submitters: Benign (1). 1 of the submissions does not count toward it. Last evaluated 2019-12-31.

Conditions:
KDM5B-related disorder. Also called: KDM5B-related condition.

Allele frequency attached by ClinVar (database versions not stated): gnomAD exomes 0.00066 and 0.00173; ExAC 0.00222; gnomAD 0.00687 and 0.00739; TOPMed 0.00784; 1000 Genomes Project 0.00839; ESP Exome Variant Server 0.00946; 1000 Genomes Project 30x 0.01015.

Submissions (2):

Labcorp Genetics (formerly Invitae), Labcorp
Classification: Benign. Last evaluated: 2019-12-31. Review status: criteria provided, single submitter. Criteria: Invitae Variant Classification Sherloc (09022015). Collection method: clinical testing. Allele origin: germline.

PreventionGenetics, part of Exact Sciences
Classification: Benign for KDM5B-related condition. Last evaluated: 2022-03-01. Review status: no assertion criteria provided. Collection method: clinical testing. Allele origin: germline. Not counted in ClinVar's aggregate classification.
Comment: This variant is classified as benign based on ACMG/AMP sequence variant interpretation guidelines (Richards et al. 2015 PMID: 25741868, with internal and published modifications).